The following is an entry in ClinVar:

NM_000051.4(ATM):c.2301_2304del (p.Asn768fs)

Gene: ATM (ATM serine/threonine kinase; plus strand). Cytogenetic location: 11q22.3.
Variant type: Deletion.
Coding change: c.2301_2304del on transcript NM_000051.4 (MANE Select); coding-DNA positions 2301 to 2304, 4 bases deleted (AAAT; older notation c.2301_2304delAAAT).
Protein change: p.Asn768fs; shifts the reading frame from asparagine 768.
Molecular consequence: frameshift variant.
Genome position (GRCh38, 1-based): chr11:108,257,531-108,257,534, AAAT deleted. VCF-style (leftmost placement, unchanged base first): chr11-108257530-CAAAT-C. GRCh37 (hg19) VCF-style: chr11-108128257-CAAAT-C.
Other names: c.2301_2304delAAAT (NM_000051.3); c.2301_2304del, p.Asn768fs (NM_001351834.2); short protein forms N768fs.
Identifiers: ClinVar variation 568064 (VCV000568064.10), dbSNP rs1565397179, ClinGen allele CA891842959.

ClinVar aggregate classification (germline): Pathogenic. Review status: criteria provided, multiple submitters, no conflicts (2 of 4 stars). 2 submissions from 2 submitters: Pathogenic (2). Last evaluated 2023-06-27.

Conditions:
Familial cancer of breast. Also called: Hereditary breast cancer; BREAST CANCER, FAMILIAL; hereditary breast carcinoma. Identifiers: Orphanet 227535, MedGen C0346153, MONDO:0016419, OMIM 114480. Disease mechanism: loss of function.
Ataxia-telangiectasia syndrome (AT). Also called: Ataxia telangiectasia (A-T); Ataxia-telangiectasia, complementation group D; AT, COMPLEMENTATION GROUP C; ATAXIA-TELANGIECTASIA, COMPLEMENTATION GROUP A; Ataxia-telangiectasia, complementation group E; ATAXIA-TELANGIECTASIA, FRESNO VARIANT. Identifiers: Orphanet 100, MedGen C0004135, MONDO:0008840, OMIM 208900.

Submissions (2):

Labcorp Genetics (formerly Invitae), Labcorp
Classification: Pathogenic for Ataxia-telangiectasia syndrome. Last evaluated: 2023-06-27. Review status: criteria provided, single submitter. Criteria: Invitae Variant Classification Sherloc (09022015). Collection method: clinical testing. Allele origin: germline.
Comment: For these reasons, this variant has been classified as Pathogenic. ClinVar contains an entry for this variant (Variation ID: 568064). This variant has not been reported in the literature in individuals affected with ATM-related conditions. This variant is not present in population databases (gnomAD no frequency). This sequence change creates a premature translational stop signal (p.Asn768Argfs*8) in the ATM gene. It is expected to result in an absent or disrupted protein product. Loss-of-function variants in ATM are known to be pathogenic (PMID: 23807571, 25614872).

Myriad Genetics, Inc.
Classification: Pathogenic for Familial cancer of breast. Last evaluated: 2023-06-21. Review status: criteria provided, single submitter. Criteria: Myriad Autosomal Dominant, Autosomal Recessive and X-Linked Classification Criteria (2023). Collection method: clinical testing. Allele origin: unknown.
Comment: This variant is considered pathogenic. This variant creates a frameshift predicted to result in premature protein truncation.

Literature cited by the submitters: PubMed 23807571 (cited by Labcorp Genetics (formerly Invitae), Labcorp); PubMed 25614872 (cited by Labcorp Genetics (formerly Invitae), Labcorp).